The following is an entry in ClinVar:

NM_001365276.2(TNXB):c.7327G>A (p.Val2443Met)

Gene: TNXB (tenascin XB; minus strand). Cytogenetic location: 6p21.33.
Variant type: single nucleotide variant.
Coding change: c.7327G>A on transcript NM_001365276.2 (MANE Select); coding-DNA position 7327, G replaced by A.
Protein change: p.Val2443Met; replaces valine 2443 with methionine.
Molecular consequence: missense variant.
Genome position (GRCh38, 1-based): chr6:32,061,562, C>T on the plus strand (G>A on the coding strand, the complement: TNXB is on the minus strand). VCF-style: chr6-32061562-C-T. GRCh37 (hg19) VCF-style: chr6-32029339-C-T.
Other names: c.7327G>A, p.Val2443Met (NM_019105.8); short protein forms V2443M.
Identifiers: ClinVar variation 1758339 (VCV001758339.4), dbSNP rs201904621, ClinGen allele CA3734187.

ClinVar aggregate classification (germline): Conflicting classifications of pathogenicity. Review status: criteria provided, conflicting classifications (1 of 4 stars). 2 submissions from 2 submitters: Uncertain significance (1); Likely benign (1). Last evaluated 2025-02-26.

Conditions:
Cardiovascular phenotype. Identifiers: MedGen CN230736.

Allele frequency attached by ClinVar (database versions not stated): gnomAD exomes 0.00001; ExAC 0.00002; TOPMed 0.00002.
gnomAD v4.1: 9 of 1,613,450 alleles (0.00056%); highest among the groups gnomAD compares: Middle Eastern, 0.034%; no homozygotes.

Submissions (2):

Ambry Genetics
Classification: Likely benign for Cardiovascular phenotype. Last evaluated: 2025-02-26. Review status: criteria provided, single submitter. Criteria: Ambry Variant Classification Scheme 2023. Collection method: clinical testing. Allele origin: germline.

GeneDx
Classification: Uncertain significance. Last evaluated: 2023-01-12. Review status: criteria provided, single submitter. Criteria: GeneDx Variant Classification Process June 2021. Collection method: clinical testing. Allele origin: germline. Affected: yes.
Comment: Not observed at significant frequency in large population cohorts (gnomAD); In silico analysis supports that this missense variant does not alter protein structure/function; Has not been previously published as pathogenic or benign to our knowledge